The following is an entry in ClinVar:

NM_001385012.1(NBEA):c.5876C>T (p.Ala1959Val)

Gene: NBEA (neurobeachin; plus strand). Cytogenetic location: 13q13.3.
Variant type: single nucleotide variant.
Coding change: c.5876C>T on transcript NM_001385012.1 (MANE Select); coding-DNA position 5876, C replaced by T.
Protein change: p.Ala1959Val; replaces alanine 1959 with valine.
Molecular consequence: missense variant.
Genome position (GRCh38, 1-based): chr13:35,309,565, C>T. VCF-style: chr13-35309565-C-T. GRCh37 (hg19) VCF-style: chr13-35883702-C-T.
Other names: c.5867C>T, p.Ala1956Val (NM_001379245.1); c.5876C>T, p.Ala1959Val (NM_015678.5); short protein forms A1959V, A1956V.
Identifiers: ClinVar variation 3298568 (VCV003298568.1).
Genomic context (GRCh38, chr13:35,309,565, plus strand): 5'-TTTGTTTTGGTTTCTCCTTTTAGGAATGGCAAAACTCTATTCAGAAGAATGCAGGACTTG[C>T]ATTTATTGAGCTCATCAATGAAGGAAGGTAATTAATTTTACAATTTTAGACAACTAGTCA-3'
Protein context (NP_001371941.1, residues 1949-1969): QNSIQKNAGL[Ala1959Val]FIELINEGRL

ClinVar aggregate classification (germline): Uncertain significance (1 of 4 stars; one submission).

Conditions:
Inborn genetic diseases. Identifiers: MedGen C0950123, MeSH D030342.

Submission:

Ambry Genetics
Classification: Uncertain significance for Inborn genetic diseases. Last evaluated: 2024-04-29. Review status: criteria provided, single submitter. Criteria: Ambry Variant Classification Scheme 2023. Collection method: clinical testing. Allele origin: germline.
Comment: The c.5876C>T (p.A1959V) alteration is located in exon 36 (coding exon 36) of the NBEA gene. This alteration results from a C to T substitution at nucleotide position 5876, causing the alanine (A) at amino acid position 1959 to be replaced by a valine (V). This variant was not reported in population-based cohorts in the Genome Aggregation Database (gnomAD). This amino acid position is highly conserved in available vertebrate species. This missense alteration is located in a region that has a low rate of benign missense variation (Lek, 2016; Firth, 2009). The in silico prediction for this alteration is inconclusive. Based on insufficient or conflicting evidence, the clinical significance of this alteration remains unclear.